The following is an entry in ClinVar:

NM_001292063.2(OTOG):c.3210G>A (p.Val1070=)

Gene: OTOG (otogelin; plus strand). Cytogenetic location: 11p15.1.
Variant type: single nucleotide variant.
Coding change: c.3210G>A on transcript NM_001292063.2 (MANE Select); coding-DNA position 3210, G replaced by A.
Protein change: p.Val1070=; no amino-acid change (valine 1070 retained).
Molecular consequence: synonymous variant.
Genome position (GRCh38, 1-based): chr11:17,593,678, G>A. VCF-style: chr11-17593678-G-A. GRCh37 (hg19) VCF-style: chr11-17615225-G-A.
Other names: c.3246G>A, p.Val1082= (NM_001277269.2).
Identifiers: ClinVar variation 3234466 (VCV003234466.20), dbSNP rs1342195087, ClinGen allele CA473302285.

ClinVar aggregate classification (germline): Likely benign (1 of 4 stars; one submission).

Allele frequency attached by ClinVar (database versions not stated): gnomAD exomes below 0.00001; TOPMed below 0.00001.
gnomAD v4.1: 3 of 1,549,118 alleles (0.00019%); highest among the groups gnomAD compares: Non-Finnish European, 0.00017%; no homozygotes.

Submission:

CeGaT Center for Human Genetics Tuebingen
Classification: Likely benign. Last evaluated: 2024-04-01. Review status: criteria provided, single submitter. Criteria: CeGaT Center For Human Genetics Tuebingen Variant Classification Criteria Version 2. Collection method: clinical testing. Allele origin: germline. Affected: yes. Observed: 1 variant allele.
Comment: OTOG: PM2:Supporting, BP4, BP7